The following is an entry in ClinVar:

NM_005630.3(SLCO2A1):c.1345T>C (p.Ser449Pro)

Genes: SLCO2A1 (solute carrier organic anion transporter family member 2A1; minus strand), LOC123038185 (Sharpr-MPRA regulatory region 14374; plus strand). Cytogenetic location: 3q22.1.
Variant type: single nucleotide variant.
Coding change: c.1345T>C on transcript NM_005630.3 (MANE Select); coding-DNA position 1345, T replaced by C.
Protein change: p.Ser449Pro; replaces serine 449 with proline.
Molecular consequence: missense variant.
Genome position (GRCh38, 1-based): chr3:133,945,211, A>G on the plus strand (T>C on the coding strand, the complement: SLCO2A1 is on the minus strand). VCF-style: chr3-133945211-A-G. GRCh37 (hg19) VCF-style: chr3-133664055-A-G.
Other names: short protein forms S449P.
Identifiers: ClinVar variation 2118610 (VCV002118610.4), dbSNP rs2108040441, ClinGen allele CA354616246.

ClinVar aggregate classification (germline): Uncertain significance (1 of 4 stars; one submission).

Allele frequency attached by ClinVar (database versions not stated): 1000 Genomes Project 30x 0.00016.

Submission:

Labcorp Genetics (formerly Invitae), Labcorp
Classification: Uncertain significance. Last evaluated: 2022-06-20. Review status: criteria provided, single submitter. Criteria: Invitae Variant Classification Sherloc (09022015). Collection method: clinical testing. Allele origin: germline.
Comment: In summary, the available evidence is currently insufficient to determine the role of this variant in disease. Therefore, it has been classified as a Variant of Uncertain Significance. Algorithms developed to predict the effect of missense changes on protein structure and function are either unavailable or do not agree on the potential impact of this missense change (SIFT: "Tolerated"; PolyPhen-2: "Possibly Damaging"; Align-GVGD: "Class C0"). This variant has not been reported in the literature in individuals affected with SLCO2A1-related conditions. This variant is not present in population databases (gnomAD no frequency). This sequence change replaces serine, which is neutral and polar, with proline, which is neutral and non-polar, at codon 449 of the SLCO2A1 protein (p.Ser449Pro).